The following is an entry in ClinVar:

ClinVar aggregate classification (germline): Uncertain significance (1 of 4 stars; one submission).

gnomAD v4.1: 12 of 1,613,958 alleles (0.00074%); highest among the groups gnomAD compares: Non-Finnish European, 0.001%; no homozygotes.

Submission:

GeneDx
Classification: Uncertain significance. Last evaluated: 2025-04-21. Review status: criteria provided, single submitter. Criteria: GeneDx Variant Classification Process June 2021. Collection method: clinical testing. Allele origin: germline. Affected: yes.
Comment: Not observed at significant frequency in large population cohorts (gnomAD); In silico analysis supports that this missense variant has a deleterious effect on protein structure/function; Has not been previously published as pathogenic or benign to our knowledge; This variant is associated with the following publications: (PMID: 24438169)

NM_001130987.2(DYSF):c.1358A>T (p.Glu453Val)

Gene: DYSF (dysferlin; plus strand). Cytogenetic location: 2p13.2.
Variant type: single nucleotide variant.
Coding change: c.1358A>T on transcript NM_001130987.2 (MANE Select); coding-DNA position 1358, A replaced by T.
Protein change: p.Glu453Val; replaces glutamic acid 453 with valine.
Molecular consequence: missense variant.
Genome position (GRCh38, 1-based): chr2:71,528,379, A>T. VCF-style: chr2-71528379-A-T. GRCh37 (hg19) VCF-style: chr2-71755509-A-T.
Other names: c.1265A>T, p.Glu422Val (NM_001130455.2, NM_001130983.2, NM_001130984.2 and 1 more transcripts); c.1262A>T, p.Glu421Val (NM_001130976.2, NM_001130977.2, NM_001130978.2 and 1 more transcripts); c.1355A>T, p.Glu452Val (NM_001130979.2, NM_001130980.2, NM_001130981.2); c.1358A>T, p.Glu453Val (NM_001130982.2, NM_001130985.2); short protein forms E421V, E422V, E452V, E453V.
Identifiers: ClinVar variation 4526924 (VCV004526924.1).